The following is an entry in ClinVar:

NM_006031.6(PCNT):c.2045C>G (p.Ser682Trp)

Gene: PCNT (pericentrin; plus strand). Cytogenetic location: 21q22.3.
Variant type: single nucleotide variant.
Coding change: c.2045C>G on transcript NM_006031.6 (MANE Select); coding-DNA position 2045, C replaced by G.
Protein change: p.Ser682Trp; replaces serine 682 with tryptophan.
Molecular consequence: missense variant.
Genome position (GRCh38, 1-based): chr21:46,357,082, C>G. VCF-style: chr21-46357082-C-G. GRCh37 (hg19) VCF-style: chr21-47776997-C-G.
Other names: c.1691C>G, p.Ser564Trp (NM_001315529.2); short protein forms S564W, S682W.
Identifiers: ClinVar variation 4627137 (VCV004627137.3).

ClinVar aggregate classification (germline): Uncertain significance. Review status: criteria provided, multiple submitters, no conflicts (2 of 4 stars). 3 submissions from 3 submitters: Uncertain significance (3). Last evaluated 2025-10-06.

Conditions:
Inborn genetic diseases. Identifiers: MedGen C0950123, MeSH D030342.
PCNT-related disorder. Also called: PCNT-related condition.

gnomAD v4.1: 18 of 1,613,740 alleles (0.0011%); highest among the groups gnomAD compares: Admixed American, 0.0017%; no homozygotes.

Submissions (3):

Ambry Genetics
Classification: Uncertain significance for Inborn genetic diseases. Last evaluated: 2025-10-06. Review status: criteria provided, single submitter. Criteria: Ambry Variant Classification Scheme 2023. Collection method: clinical testing. Allele origin: germline.

PreventionGenetics, part of Exact Sciences
Classification: Uncertain significance for PCNT-related condition. Last evaluated: 2025-08-05. Review status: criteria provided, single submitter. Criteria: ACMG Guidelines, 2015. Collection method: clinical testing. Allele origin: germline.
Comment: The PCNT c.2045C>G variant is predicted to result in the amino acid substitution p.Ser682Trp. To our knowledge, this variant has not been reported in the literature. This variant is reported in 0.0015% of alleles in individuals of European (Non-Finnish) descent in gnomAD. At this time, the clinical significance of this variant is uncertain due to the absence of conclusive functional and genetic evidence.

Blueprint Genetics
Classification: Uncertain significance. Last evaluated: 2024-05-22. Review status: criteria provided, single submitter. Criteria: ACMG Guidelines, 2015. Collection method: clinical testing. Allele origin: germline.